The following is an entry in ClinVar:

ClinVar aggregate classification (germline): Uncertain significance. Review status: criteria provided, multiple submitters, no conflicts (2 of 4 stars). 3 submissions from 3 submitters: Uncertain significance (3). Last evaluated 2024-01-15.

Conditions:
Thrombophilia due to protein S deficiency, autosomal recessive (THPH6). Identifiers: Orphanet 743, MedGen C3281092, MONDO:0013791, OMIM 614514. Disease mechanism: loss of function.
Thrombophilia due to protein S deficiency, autosomal dominant (THPH5). Identifiers: Orphanet 26349, Orphanet 743, MedGen C3278211, MONDO:0012868, OMIM 612336. Disease mechanism: loss of function.
Abnormal bleeding. Also called: Bleeding diathesis. Identifiers: MedGen C1458140, HP:0001892.

Allele frequency attached by ClinVar (database versions not stated): gnomAD exomes below 0.00001 and 0.00010; ExAC 0.00001; TOPMed 0.00002; gnomAD 0.00003.
gnomAD v4.1: 143 of 1,613,816 alleles (0.0089%); highest among the groups gnomAD compares: Non-Finnish European, 0.012%; no homozygotes.

Submissions (3):

Labcorp Genetics (formerly Invitae), Labcorp
Classification: Uncertain significance for Thrombophilia due to protein S deficiency, autosomal recessive. Last evaluated: 2024-01-15. Review status: criteria provided, single submitter. Criteria: Invitae Variant Classification Sherloc (09022015). Collection method: clinical testing. Allele origin: germline.
Comment: This sequence change replaces lysine, which is basic and polar, with glutamic acid, which is acidic and polar, at codon 50 of the PROS1 protein (p.Lys50Glu). This variant is present in population databases (rs748630360, gnomAD 0.004%). This missense change has been observed in individuals with clinical features of protein S deficiency (PMID: 8943854, 9651142, 31064749). This variant is also known as c.294A>G p.Lys9Glu. ClinVar contains an entry for this variant (Variation ID: 627000). Advanced modeling of protein sequence and biophysical properties (such as structural, functional, and spatial information, amino acid conservation, physicochemical variation, residue mobility, and thermodynamic stability) performed at Invitae indicates that this missense variant is expected to disrupt PROS1 protein function with a positive predictive value of 80%. In summary, the available evidence is currently insufficient to determine the role of this variant in disease. Therefore, it has been classified as a Variant of Uncertain Significance.

Fulgent Genetics
Classification: Uncertain significance for Thrombophilia due to protein S deficiency, autosomal dominant; Thrombophilia due to protein S deficiency, autosomal recessive. Last evaluated: 2021-10-12. Review status: criteria provided, single submitter. Criteria: ACMG Guidelines, 2015. Collection method: clinical testing. Allele origin: unknown.

NIHR Bioresource Rare Diseases, University of Cambridge
Classification: Uncertain significance for Abnormal bleeding. Last evaluated: 2019-02-01. Review status: criteria provided, single submitter. Criteria: ACMG Guidelines, 2015. Collection method: research. Allele origin: unknown. Affected: yes. Observed: 1 heterozygote. Study: ThromboGenomics.

Literature cited by the submitters: PubMed 8943854 (cited by Labcorp Genetics (formerly Invitae), Labcorp); PubMed 9651142 (cited by Labcorp Genetics (formerly Invitae), Labcorp); PubMed 31064749 (cited by Labcorp Genetics (formerly Invitae), Labcorp and NIHR Bioresource Rare Diseases, University of Cambridge).

NM_000313.4(PROS1):c.148A>G (p.Lys50Glu)

Gene: PROS1 (protein S; minus strand). Cytogenetic location: 3q11.1.
Variant type: single nucleotide variant.
Coding change: c.148A>G on transcript NM_000313.4 (MANE Select); coding-DNA position 148, A replaced by G.
Protein change: p.Lys50Glu; replaces lysine 50 with glutamic acid.
Molecular consequence: missense variant.
Genome position (GRCh38, 1-based): chr3:93,927,336, T>C on the plus strand (A>G on the coding strand, the complement: PROS1 is on the minus strand). VCF-style: chr3-93927336-T-C. GRCh37 (hg19) VCF-style: chr3-93646180-T-C.
Other names: c.244A>G, p.Lys82Glu (NM_001314077.2); short protein forms K50E, K82E.
Identifiers: ClinVar variation 627000 (VCV000627000.6), dbSNP rs748630360, ClinGen allele CA2503583.